The following is an entry in ClinVar:

NM_001271696.3(ABCB7):c.523A>G (p.Met175Val)

Gene: ABCB7 (ATP binding cassette subfamily B member 7; minus strand). Cytogenetic location: Xq13.3.
Variant type: single nucleotide variant.
Coding change: c.523A>G on transcript NM_001271696.3 (MANE Select); coding-DNA position 523, A replaced by G.
Protein change: p.Met175Val; replaces methionine 175 with valine.
Molecular consequence: missense variant.
Genome position (GRCh38, 1-based): chrX:75,076,585, T>C on the plus strand (A>G on the coding strand, the complement: ABCB7 is on the minus strand). VCF-style: chrX-75076585-T-C. GRCh37 (hg19) VCF-style: chrX-74296420-T-C.
Other names: c.403A>G, p.Met135Val (NM_001271697.3); c.445A>G, p.Met149Val (NM_001271698.3); c.406A>G, p.Met136Val (NM_001271699.3); c.526A>G, p.Met176Val (NM_004299.6); c.526A>G (NM_004299.3); short protein forms M135V, M136V, M149V, M175V, M176V.
Identifiers: ClinVar variation 1915253 (VCV001915253.6), dbSNP rs2519831133, ClinGen allele CA413677828.

ClinVar aggregate classification (germline): Uncertain significance. Review status: criteria provided, multiple submitters, no conflicts (2 of 4 stars). 2 submissions from 2 submitters: Uncertain significance (2). Last evaluated 2025-09-09.

Conditions:
Inborn genetic diseases. Identifiers: MedGen C0950123, MeSH D030342.

Submissions (2):

Ambry Genetics
Classification: Uncertain significance for Inborn genetic diseases. Last evaluated: 2025-09-09. Review status: criteria provided, single submitter. Criteria: Ambry Variant Classification Scheme 2023. Collection method: clinical testing. Allele origin: germline.

Labcorp Genetics (formerly Invitae), Labcorp
Classification: Uncertain significance. Last evaluated: 2022-04-30. Review status: criteria provided, single submitter. Criteria: Invitae Variant Classification Sherloc (09022015). Collection method: clinical testing. Allele origin: germline.
Comment: In summary, the available evidence is currently insufficient to determine the role of this variant in disease. Therefore, it has been classified as a Variant of Uncertain Significance. This sequence change replaces methionine, which is neutral and non-polar, with valine, which is neutral and non-polar, at codon 176 of the ABCB7 protein (p.Met176Val). This variant is not present in population databases (gnomAD no frequency). This variant has not been reported in the literature in individuals affected with ABCB7-related conditions. Algorithms developed to predict the effect of missense changes on protein structure and function (SIFT, PolyPhen-2, Align-GVGD) all suggest that this variant is likely to be tolerated.